The following is an entry in ClinVar:

ClinVar aggregate classification (germline): Uncertain significance (1 of 4 stars; one submission).

Conditions:
Deficiency of phosphoserine phosphatase (PSPHD). Also called: Phosphoserine phosphatase deficiency; PSPH deficiency. Identifiers: Orphanet 79350, MedGen C1291463, MONDO:0013531, OMIM 614023.

Allele frequency attached by ClinVar (database versions not stated): gnomAD 0.00002; TOPMed 0.00002.
gnomAD v4.1: 16 of 1,613,776 alleles (0.00099%); highest among the groups gnomAD compares: Non-Finnish European, 0.0014%; no homozygotes.

Submission:

Labcorp Genetics (formerly Invitae), Labcorp
Classification: Uncertain significance for Deficiency of phosphoserine phosphatase. Last evaluated: 2025-10-13. Review status: criteria provided, single submitter. Criteria: Invitae Variant Classification Sherloc (09022015). Collection method: clinical testing. Allele origin: germline.
Comment: This sequence change creates a premature translational stop signal (p.Gly157*) in the PSPH gene. It is expected to result in an absent or disrupted protein product. However, the current clinical and genetic evidence is not sufficient to establish whether loss-of-function variants in PSPH cause disease. This variant is not present in population databases (gnomAD no frequency). This variant has not been reported in the literature in individuals affected with PSPH-related conditions. ClinVar contains an entry for this variant (Variation ID: 1450745). In summary, the available evidence is currently insufficient to determine the role of this variant in disease. Therefore, it has been classified as a Variant of Uncertain Significance.

NM_004577.4(PSPH):c.469G>T (p.Gly157Ter)

Gene: PSPH (phosphoserine phosphatase; minus strand). Cytogenetic location: 7p11.2.
Variant type: single nucleotide variant.
Coding change: c.469G>T on transcript NM_004577.4 (MANE Select); coding-DNA position 469, G replaced by T.
Protein change: p.Gly157Ter; replaces glycine 157 with a stop codon.
Molecular consequence: nonsense.
Genome position (GRCh38, 1-based): chr7:56,015,124, C>A on the plus strand (G>T on the coding strand, the complement: PSPH is on the minus strand). VCF-style: chr7-56015124-C-A. GRCh37 (hg19) VCF-style: chr7-56082817-C-A.
Other names: c.469G>T, p.Gly157Ter (NM_001370503.1, NM_001370504.1, NM_001370505.1 and 17 more transcripts); short protein forms G157*.
Identifiers: ClinVar variation 1450745 (VCV001450745.5), dbSNP rs1410416350, ClinGen allele CA367595779.